The following is an entry in ClinVar:

NM_018706.7(DHTKD1):c.46G>A (p.Ala16Thr)

Gene: DHTKD1 (dehydrogenase E1 and transketolase domain containing 1; plus strand). Cytogenetic location: 10p14.
Variant type: single nucleotide variant.
Coding change: c.46G>A on transcript NM_018706.7 (MANE Select); coding-DNA position 46, G replaced by A.
Protein change: p.Ala16Thr; replaces alanine 16 with threonine.
Molecular consequence: missense variant.
Genome position (GRCh38, 1-based): chr10:12,069,079, G>A. VCF-style: chr10-12069079-G-A. GRCh37 (hg19) VCF-style: chr10-12111078-G-A.
Other names: short protein forms A16T.
Identifiers: ClinVar variation 1722084 (VCV001722084.6), dbSNP rs1197904169, ClinGen allele CA376011304.
Genomic context (GRCh38, chr10:12,069,079, plus strand): 5'-GGACATCTGGTGAACATGGCCTCTGCTACTGCGGCAGCAGCACGACGGGGCCTCGGCCGG[G>A]CTCTCCCTCTCTTCTGGCGTGGCTACCAGACCGAGCGGGGCGTTTACGGCTACCGGCCGA-3'
Protein context (NP_061176.4, residues 6-26): AAAARRGLGR[Ala16Thr]LPLFWRGYQT

ClinVar aggregate classification (germline): Uncertain significance (1 of 4 stars; one submission).

Conditions:
2-aminoadipic 2-oxoadipic aciduria (AAKAD). Also called: Aminoadipic aciduria; ALPHA-AMINOADIPIC AND ALPHA-KETOADIPIC ACIDURIA. Identifiers: Orphanet 79154, MedGen C1859817, MONDO:0008774, OMIM 204750.

gnomAD v4.1: 2 of 1,612,854 alleles (0.00012%); highest among the groups gnomAD compares: Non-Finnish European, 0.00017%; no homozygotes.

Submission:

Labcorp Genetics (formerly Invitae), Labcorp
Classification: Uncertain significance for 2-aminoadipic 2-oxoadipic aciduria. Last evaluated: 2022-10-23. Review status: criteria provided, single submitter. Criteria: Invitae Variant Classification Sherloc (09022015). Collection method: clinical testing. Allele origin: germline.
Comment: This sequence change replaces alanine, which is neutral and non-polar, with threonine, which is neutral and polar, at codon 16 of the DHTKD1 protein (p.Ala16Thr). This variant is not present in population databases (gnomAD no frequency). This variant has not been reported in the literature in individuals affected with DHTKD1-related conditions. Algorithms developed to predict the effect of missense changes on protein structure and function output the following: SIFT: "Tolerated"; PolyPhen-2: "Not Available"; Align-GVGD: "Class C0". The threonine amino acid residue is found in multiple mammalian species, which suggests that this missense change does not adversely affect protein function. In summary, the available evidence is currently insufficient to determine the role of this variant in disease. Therefore, it has been classified as a Variant of Uncertain Significance.